The following is an entry in ClinVar:

ClinVar aggregate classification (germline): Conflicting classifications of pathogenicity. Review status: criteria provided, conflicting classifications (1 of 4 stars). 3 submissions from 3 submitters: Pathogenic (1); Uncertain significance (2). Last evaluated 2022-08-04.

Conditions:
Autosomal dominant osteopetrosis 2. Also called: ALBERS-SCHONBERG DISEASE, AUTOSOMAL DOMINANT; MARBLE BONES, AUTOSOMAL DOMINANT; OSTEOSCLEROSIS FRAGILIS GENERALISATA; Osteopetroses; Marble bones; Albers-Schonberg disease. Identifiers: Orphanet 53, MedGen C3179239, MONDO:0008156, OMIM 166600.

gnomAD v4.1: 1 of 1,612,366 alleles (0.000062%); highest among the groups gnomAD compares: Non-Finnish European, 0.000085%; no homozygotes.

Submissions (3):

Laboratorio de Genetica e Diagnostico Molecular, Hospital Israelita Albert Einstein
Classification: Uncertain significance for Autosomal dominant osteopetrosis 2. Last evaluated: 2022-08-04. Review status: criteria provided, single submitter. Criteria: ACMG Guidelines, 2015. Collection method: clinical testing. Allele origin: germline. Affected: yes. Observed: 1 variant allele.
Comment: ACMG classification criteria: PS4 moderated, PM2 moderated, PP3 supporting

GeneDx
Classification: Uncertain significance. Last evaluated: 2020-11-19. Review status: criteria provided, single submitter. Criteria: GeneDx Variant Classification Process June 2021. Collection method: clinical testing. Allele origin: germline. Affected: yes.
Comment: Not observed in large population cohorts (Lek et al., 2016); In silico analysis supports that this missense variant has a deleterious effect on protein structure/function; This variant is associated with the following publications: (PMID: 24108692, 30885997)

Clinical Genetics Service, Universitary Hospital 12 de Octubre
Classification: Pathogenic for Autosomal dominant osteopetrosis 2. Review status: criteria provided, single submitter. Criteria: ACMG Guidelines, 2015. Collection method: clinical testing. Allele origin: germline. Affected: yes.

NM_001287.6(CLCN7):c.1531G>C (p.Ala511Pro)

Gene: CLCN7 (Cl-/H+ antiporter 7; minus strand). Cytogenetic location: 16p13.3.
Variant type: single nucleotide variant.
Coding change: c.1531G>C on transcript NM_001287.6 (MANE Select); coding-DNA position 1531, G replaced by C.
Protein change: p.Ala511Pro; replaces alanine 511 with proline.
Molecular consequence: missense variant.
Genome position (GRCh38, 1-based): chr16:1,450,583, C>G on the plus strand (G>C on the coding strand, the complement: CLCN7 is on the minus strand). VCF-style: chr16-1450583-C-G. GRCh37 (hg19) VCF-style: chr16-1500584-C-G.
Other names: c.1459G>C, p.Ala487Pro (NM_001114331.3); short protein forms A487P, A511P.
Identifiers: ClinVar variation 1220179 (VCV001220179.5), dbSNP rs2142371312, ClinGen allele CA394187563.
Genomic context (GRCh38, chr16:1,450,583, plus strand): 5'-AGATCCCAAAGAGCCGGCCCCAGGCAGCCCCGATGAGCAGGGACGGGATGAAGACCCCGG[C>G]AGACACCGTGAGCCCGTAGGTCCAGCAGGCCAGGAAGAAGTAGACCAGCGTGAACAGGCC-3'
Protein context (NP_001278.1, residues 501-521): ACWTYGLTVS[Ala511Pro]GVFIPSLLIG